The following is an entry in ClinVar:

NM_001277115.2(DNAH11):c.531del (p.His177fs)

Gene: DNAH11 (dynein axonemal heavy chain 11; plus strand). Cytogenetic location: 7p15.3.
Variant type: Deletion.
Coding change: c.531del on transcript NM_001277115.2 (MANE Select); coding-DNA position 531, one base deleted (T; older notation c.531delT).
Protein change: p.His177fs; shifts the reading frame from histidine 177.
Molecular consequence: frameshift variant.
Genome position (GRCh38, 1-based): chr7:21,558,837, T deleted. VCF-style (leftmost placement, unchanged base first): chr7-21558836-AT-A. GRCh37 (hg19) VCF-style: chr7-21598454-AT-A.
Other names: c.531delT, p.His177Glnfs (NM_003777.3); short protein forms H177fs.
Identifiers: ClinVar variation 2854164 (VCV002854164.3), dbSNP rs2534460277, ClinGen allele CA2739266288.
Genomic context (GRCh38, chr7:21,558,836, plus strand): 5'-ATTTAACTATGTTTCTCTTTCTCTAGATTTTAGTGCCAGTTCTTTCTAATAAGAACAACC[AT>A]AAGTCCTGGTCCTGTTTTACTTCACAAGATATGGAATATCACATAGAAGTCATGAAAAAG-3'

ClinVar aggregate classification (germline): Pathogenic (1 of 4 stars; one submission).

Conditions:
Primary ciliary dyskinesia. Also called: Ciliary dyskinesia. Identifiers: Orphanet 244, MedGen C0008780, MONDO:0016575, HP:0012265.

Submission:

Labcorp Genetics (formerly Invitae), Labcorp
Classification: Pathogenic for Primary ciliary dyskinesia. Last evaluated: 2023-04-09. Review status: criteria provided, single submitter. Criteria: Invitae Variant Classification Sherloc (09022015). Collection method: clinical testing. Allele origin: germline.
Comment: For these reasons, this variant has been classified as Pathogenic. This variant has not been reported in the literature in individuals affected with DNAH11-related conditions. This variant is not present in population databases (gnomAD no frequency). This sequence change creates a premature translational stop signal (p.His177Glnfs*16) in the DNAH11 gene. It is expected to result in an absent or disrupted protein product. Loss-of-function variants in DNAH11 are known to be pathogenic (PMID: 18022865, 20513915, 22184204).

Literature cited by the submitters: PubMed 18022865; PubMed 20513915; PubMed 22184204.